The following is an entry in ClinVar:

NM_000484.4(APP):c.901C>G (p.Arg301Gly)

Gene: APP (amyloid beta precursor protein; minus strand). Cytogenetic location: 21q21.3.
Variant type: single nucleotide variant.
Coding change: c.901C>G on transcript NM_000484.4 (MANE Select); coding-DNA position 901, C replaced by G.
Protein change: p.Arg301Gly; replaces arginine 301 with glycine.
Molecular consequence: missense variant. On other transcripts: intron variant (5).
Genome position (GRCh38, 1-based): chr21:26,000,147, G>C on the plus strand (C>G on the coding strand, the complement: APP is on the minus strand). VCF-style: chr21-26000147-G-C. GRCh37 (hg19) VCF-style: chr21-27372462-G-C.
Other names: c.886C>G, p.Arg296Gly (NM_001136016.3); c.733C>G, p.Arg245Gly (NM_001136130.3); c.901C>G, p.Arg301Gly (NM_001204301.2, NM_001204302.2, NM_201413.3); c.761-17670C>G (NM_001136131.3); c.698-17670C>G (NM_001136129.3); c.866-17670C>G (NM_001204303.2, NM_201414.3); c.866-2731C>G (NM_001385253.1); short protein forms R245G, R296G, R301G.
Identifiers: ClinVar variation 2145498 (VCV002145498.4), dbSNP rs771666332, ClinGen allele CA409811196.
Genomic context (GRCh38, chr21:26,000,147, plus strand): 5'-AAAAGAATGGGGCACACTTCCCTTCAGTCACATCAAAGTACCAGCGGGAGATCATTGCTC[G>C]GCACGGCCCCGTCTCGGCTTGTTCAGAGCACACCTCTAATCAGAGGAGATGTGGGGAACC-3'
Protein context (NP_000475.1, residues 291-311): CSEQAETGPC[Arg301Gly]AMISRWYFDV

ClinVar aggregate classification (germline): Uncertain significance (1 of 4 stars; one submission).

Conditions:
Alzheimer disease. Also called: Alzheimer's disease; Presenile and senile dementia. Identifiers: Orphanet 1020, MedGen C0002395, MeSH D000544, MONDO:0004975, HP:0002511.

Submission:

Labcorp Genetics (formerly Invitae), Labcorp
Classification: Uncertain significance for Alzheimer disease. Last evaluated: 2021-12-08. Review status: criteria provided, single submitter. Criteria: Invitae Variant Classification Sherloc (09022015). Collection method: clinical testing. Allele origin: germline.
Comment: This variant is not present in population databases (gnomAD no frequency). This variant has not been reported in the literature in individuals affected with APP-related conditions. Algorithms developed to predict the effect of missense changes on protein structure and function (SIFT, PolyPhen-2, Align-GVGD) all suggest that this variant is likely to be disruptive. In summary, the available evidence is currently insufficient to determine the role of this variant in disease. Therefore, it has been classified as a Variant of Uncertain Significance. This sequence change replaces arginine, which is basic and polar, with glycine, which is neutral and non-polar, at codon 301 of the APP protein (p.Arg301Gly).